The following is an entry in ClinVar:

NM_033004.4(NLRP1):c.602C>T (p.Ala201Val)

Gene: NLRP1 (NLR family pyrin domain containing 1; minus strand). Cytogenetic location: 17p13.2.
Variant type: single nucleotide variant.
Coding change: c.602C>T on transcript NM_033004.4 (MANE Select); coding-DNA position 602, C replaced by T.
Protein change: p.Ala201Val; replaces alanine 201 with valine.
Molecular consequence: missense variant.
Genome position (GRCh38, 1-based): chr17:5,581,909, G>A on the plus strand (C>T on the coding strand, the complement: NLRP1 is on the minus strand). VCF-style: chr17-5581909-G-A. GRCh37 (hg19) VCF-style: chr17-5485229-G-A.
Other names: c.602C>T, p.Ala201Val (NM_001033053.3, NM_014922.5, NM_033006.4 and 1 more transcripts); short protein forms A201V.
Identifiers: ClinVar variation 2715311 (VCV002715311.3), dbSNP rs749975060, ClinGen allele CA8327547.

ClinVar aggregate classification (germline): Uncertain significance (1 of 4 stars; one submission).

Allele frequency attached by ClinVar (database versions not stated): gnomAD exomes 0.00001; ExAC 0.00002.

Submission:

Labcorp Genetics (formerly Invitae), Labcorp
Classification: Uncertain significance. Last evaluated: 2023-06-23. Review status: criteria provided, single submitter. Criteria: Invitae Variant Classification Sherloc (09022015). Collection method: clinical testing. Allele origin: germline.
Comment: This sequence change replaces alanine, which is neutral and non-polar, with valine, which is neutral and non-polar, at codon 201 of the NLRP1 protein (p.Ala201Val). In summary, the available evidence is currently insufficient to determine the role of this variant in disease. Therefore, it has been classified as a Variant of Uncertain Significance. Algorithms developed to predict the effect of missense changes on protein structure and function output the following: SIFT: "Not Available"; PolyPhen-2: "Benign"; Align-GVGD: "Not Available". The valine amino acid residue is found in multiple mammalian species, which suggests that this missense change does not adversely affect protein function. This variant has not been reported in the literature in individuals affected with NLRP1-related conditions. This variant is present in population databases (rs749975060, gnomAD 0.02%).